The following is an entry in ClinVar:

NM_000283.4(PDE6B):c.2296G>A (p.Glu766Lys)

Gene: PDE6B (phosphodiesterase 6B; plus strand). Cytogenetic location: 4p16.3.
Variant type: single nucleotide variant.
Coding change: c.2296G>A on transcript NM_000283.4 (MANE Select); coding-DNA position 2296, G replaced by A.
Protein change: p.Glu766Lys; replaces glutamic acid 766 with lysine.
Molecular consequence: missense variant.
Genome position (GRCh38, 1-based): chr4:666,558, G>A. VCF-style: chr4-666558-G-A. GRCh37 (hg19) VCF-style: chr4-660347-G-A.
Other names: c.2296G>A, p.Glu766Lys (NM_001145291.2); c.1459G>A, p.Glu487Lys (NM_001145292.2, NM_001350154.3, NM_001379246.1 and 1 more transcripts); c.1141G>A, p.Glu381Lys (NM_001350155.3); short protein forms E487K, E381K, E766K.
Identifiers: ClinVar variation 2768074 (VCV002768074.3), dbSNP rs781343108, ClinGen allele CA2795001.

ClinVar aggregate classification (germline): Uncertain significance (1 of 4 stars; one submission).

Allele frequency attached by ClinVar (database versions not stated): TOPMed below 0.00001; ExAC 0.00002.
gnomAD v4.1: 18 of 1,613,184 alleles (0.0011%); highest among the groups gnomAD compares: Middle Eastern, 0.017%; no homozygotes.

Submission:

Labcorp Genetics (formerly Invitae), Labcorp
Classification: Uncertain significance. Last evaluated: 2024-11-05. Review status: criteria provided, single submitter. Criteria: Invitae Variant Classification Sherloc (09022015). Collection method: clinical testing. Allele origin: germline.
Comment: This sequence change replaces glutamic acid, which is acidic and polar, with lysine, which is basic and polar, at codon 766 of the PDE6B protein (p.Glu766Lys). This variant is present in population databases (rs781343108, gnomAD 0.01%). This variant has not been reported in the literature in individuals affected with PDE6B-related conditions. ClinVar contains an entry for this variant (Variation ID: 2768074). Invitae Evidence Modeling of protein sequence and biophysical properties (such as structural, functional, and spatial information, amino acid conservation, physicochemical variation, residue mobility, and thermodynamic stability) indicates that this missense variant is not expected to disrupt PDE6B protein function with a negative predictive value of 80%. In summary, the available evidence is currently insufficient to determine the role of this variant in disease. Therefore, it has been classified as a Variant of Uncertain Significance.